The following is an entry in ClinVar:

ClinVar aggregate classification (germline): Uncertain significance. Review status: criteria provided, multiple submitters, no conflicts (2 of 4 stars). 2 submissions from 2 submitters: Uncertain significance (2). Last evaluated 2024-10-24.

Conditions:
Primary dilated cardiomyopathy (DCM). Also called: Dilated Cardiomyopathy. Identifiers: Orphanet 217604, MedGen C0007193, MeSH D002311, MONDO:0005021, HP:0001644. Inheritance: Various modes of inheritance.

Allele frequency attached by ClinVar (database versions not stated): ExAC 0.00001; TOPMed 0.00001; gnomAD 0.00002; gnomAD exomes 0.00003.
gnomAD v4.1: 102 of 1,607,698 alleles (0.0063%); highest among the groups gnomAD compares: Non-Finnish European, 0.0083%; no homozygotes.

Submissions (2):

Ambry Genetics
Classification: Uncertain significance. Last evaluated: 2024-10-24. Review status: criteria provided, single submitter. Criteria: Ambry Variant Classification Scheme 2023. Collection method: clinical testing. Allele origin: germline.
Comment: The p.I191F variant (also known as c.571A>T), located in coding exon 6 of the NEBL gene, results from an A to T substitution at nucleotide position 571. The isoleucine at codon 191 is replaced by phenylalanine, an amino acid with highly similar properties. This amino acid position is conserved. In addition, this alteration is predicted to be tolerated by in silico analysis. Based on the available evidence, the clinical significance of this variant remains unclear.

Labcorp Genetics (formerly Invitae), Labcorp
Classification: Uncertain significance for Primary dilated cardiomyopathy. Last evaluated: 2023-05-31. Review status: criteria provided, single submitter. Criteria: Invitae Variant Classification Sherloc (09022015). Collection method: clinical testing. Allele origin: germline.
Comment: In summary, the available evidence is currently insufficient to determine the role of this variant in disease. Therefore, it has been classified as a Variant of Uncertain Significance. An algorithm developed to predict the effect of missense changes on protein structure and function (PolyPhen-2) suggests that this variant is likely to be tolerated. ClinVar contains an entry for this variant (Variation ID: 959126). This variant has not been reported in the literature in individuals affected with NEBL-related conditions. This variant is present in population databases (rs746403443, gnomAD 0.006%). This sequence change replaces isoleucine, which is neutral and non-polar, with phenylalanine, which is neutral and non-polar, at codon 191 of the NEBL protein (p.Ile191Phe).

NM_006393.3(NEBL):c.571A>T (p.Ile191Phe)

Gene: NEBL (nebulette; minus strand). Cytogenetic location: 10p12.31.
Variant type: single nucleotide variant.
Coding change: c.571A>T on transcript NM_006393.3 (MANE Select); coding-DNA position 571, A replaced by T.
Protein change: p.Ile191Phe; replaces isoleucine 191 with phenylalanine.
Molecular consequence: missense variant. On other transcripts: intron variant (9).
Genome position (GRCh38, 1-based): chr10:20,869,751, T>A on the plus strand (A>T on the coding strand, the complement: NEBL is on the minus strand). VCF-style: chr10-20869751-T-A. GRCh37 (hg19) VCF-style: chr10-21158680-T-A.
Other names: c.250-56811A>T (NM_001377326.1, NM_001377327.1, NM_001377328.1); c.358-56811A>T (NM_213569.2, NM_001173484.2, NM_001377322.1); c.301-56811A>T (NM_001377324.1); c.292-56811A>T (NM_001377325.1); c.310-56811A>T (NM_001377323.1); short protein forms I191F.
Identifiers: ClinVar variation 959126 (VCV000959126.5), dbSNP rs746403443, ClinGen allele CA5433198.